The following is an entry in ClinVar:

NM_000271.5(NPC1):c.1947+13_1947+14insA

Gene: NPC1 (NPC intracellular cholesterol transporter 1; minus strand). Cytogenetic location: 18q11.2.
Variant type: Insertion.
Coding change: c.1947+13_1947+14insA on transcript NM_000271.5 (MANE Select); bases 13 to 14 of the intron after coding-DNA position 1947, A inserted.
Molecular consequence: intron variant.
Genome position: GRCh38 VCF-style: chr18-23544946-C-CT. GRCh37 (hg19) VCF-style: chr18-21124910-C-CT.
Other names: c.1947+13_1947+14insA (NM_000271.4).
Identifiers: ClinVar variation 1539541 (VCV001539541.10), dbSNP rs1555634643, ClinGen allele CA777725061.

ClinVar aggregate classification (germline): Likely benign. Review status: criteria provided, single submitter (1 of 4 stars). 2 submissions from 2 submitters: Likely benign (1). 1 of the submissions does not count toward it. Last evaluated 2025-12-08.

Conditions:
Niemann-Pick disease, type C1. Also called: NIEMANN-PICK DISEASE, CHRONIC NEURONOPATHIC FORM; NIEMANN-PICK DISEASE, VARIANT TYPE C1; NEUROVISCERAL STORAGE DISEASE WITH VERTICAL SUPRANUCLEAR OPHTHALMOPLEGIA; NIEMANN-PICK DISEASE WITH CHOLESTEROL ESTERIFICATION BLOCK; NIEMANN-PICK DISEASE WITHOUT SPHINGOMYELINASE DEFICIENCY. Identifiers: Orphanet 646, MedGen C3179455, MONDO:0009757, OMIM 257220.
NPC1-related disorder. Also called: NPC1-related condition.

Submissions (2):

Labcorp Genetics (formerly Invitae), Labcorp
Classification: Likely benign for Niemann-Pick disease, type C1. Last evaluated: 2025-12-08. Review status: criteria provided, single submitter. Criteria: Invitae Variant Classification Sherloc (09022015). Collection method: clinical testing. Allele origin: germline.

PreventionGenetics, part of Exact Sciences
Classification: Likely benign for NPC1-related condition. Last evaluated: 2023-09-14. Review status: no assertion criteria provided. Collection method: clinical testing. Allele origin: germline. Not counted in ClinVar's aggregate classification.
Comment: This variant is classified as likely benign based on ACMG/AMP sequence variant interpretation guidelines (Richards et al. 2015 PMID: 25741868, with internal and published modifications).